The following is an entry in ClinVar:

ClinVar aggregate classification (germline): Uncertain significance. Review status: criteria provided, multiple submitters, no conflicts (2 of 4 stars). 2 submissions from 2 submitters: Uncertain significance (2). Last evaluated 2022-07-06.

Conditions:
Collagen 6-related myopathy. Identifiers: MedGen CN117976, MONDO:0100225.
Bethlem myopathy 1A. Also called: MYOPATHY, BENIGN CONGENITAL, WITH CONTRACTURES; Bethlem Muscular Dystrophy; Bethlem myopathy 1. Identifiers: Orphanet 610, MedGen CN029274, MONDO:0024530, OMIM 158810.

Submissions (2):

Labcorp Genetics (formerly Invitae), Labcorp
Classification: Uncertain significance for Bethlem myopathy 1A. Last evaluated: 2022-07-06. Review status: criteria provided, single submitter. Criteria: Invitae Variant Classification Sherloc (09022015). Collection method: clinical testing. Allele origin: germline.
Comment: In summary, the available evidence is currently insufficient to determine the role of this variant in disease. Therefore, it has been classified as a Variant of Uncertain Significance. This variant disrupts the triple helix domain of COL6A1. Glycine residues within the Gly-Xaa-Yaa repeats of the triple helix domain are required for the structure and stability of fibrillar collagens (PMID: 7695699, 8218237, 19344236). In COL6A1, variants at these glycine residues are significantly enriched in individuals with autosomal dominant disease (PMID: 15689448, 24038877) compared to the general population (ExAC). This sequence change replaces glycine, which is neutral and non-polar, with glutamic acid, which is acidic and polar, at codon 503 of the COL6A1 protein (p.Gly503Glu). Advanced modeling of protein sequence and biophysical properties (such as structural, functional, and spatial information, amino acid conservation, physicochemical variation, residue mobility, and thermodynamic stability) performed at Invitae indicates that this missense variant is expected to disrupt COL6A1 protein function. ClinVar contains an entry for this variant (Variation ID: 542975). This variant has not been reported in the literature in individuals affected with COL6A1-related conditions. This variant is not present in population databases (gnomAD no frequency).

Illumina Laboratory Services, Illumina
Classification: Uncertain significance for Collagen VI-related myopathy. Last evaluated: 2019-02-28. Review status: criteria provided, single submitter. Criteria: ICSLVariantClassificationCriteria RUGD 01 April 2020. Collection method: clinical testing. Allele origin: unknown.
Comment: The COL6A1 c.1508G>A (p.Gly503Glu) variant is a missense variant. A literature search was conducted for the gene, cDNA change, and protein change. No publications were identified through this search. This variant is not found in Genome Aggregation Database despite its location in a region of adequate sequencing coverage, so the variant is presumed to be rare. The p.Gly503Glu variant affects one of the repeating Gly-Xaa-Yaa motifs of the highly conserved triple helical domain of collagen type VI, and glycine-affecting missense variants in this region are a common pathogenic mechanism in collagen type VI-related disorders (LamandÃ© et al. 2002; Lampe et al. 2005). Consistently, multiple in silico tools predict a deleterious effect of the p.Gly503Glu variant; however, these predictions have not been confirmed experimentally. Based on the limited evidence available, the p.Gly503Glu variant is classified as a variant of uncertain significance for collagen type VI-related disorders.

Literature cited by the submitters: PubMed 7695699 (cited by Labcorp Genetics (formerly Invitae), Labcorp); PubMed 8218237 (cited by Labcorp Genetics (formerly Invitae), Labcorp); PubMed 19344236 (cited by Labcorp Genetics (formerly Invitae), Labcorp); PubMed 15689448 (cited by Labcorp Genetics (formerly Invitae), Labcorp and Illumina Laboratory Services, Illumina); PubMed 24038877 (cited by Labcorp Genetics (formerly Invitae), Labcorp); PubMed 11707460 (cited by Illumina Laboratory Services, Illumina).

NM_001848.3(COL6A1):c.1508G>A (p.Gly503Glu)

Gene: COL6A1 (collagen type VI alpha 1 chain; plus strand). Cytogenetic location: 21q22.3.
Variant type: single nucleotide variant.
Coding change: c.1508G>A on transcript NM_001848.3 (MANE Select); coding-DNA position 1508, G replaced by A.
Protein change: p.Gly503Glu; replaces glycine 503 with glutamic acid.
Molecular consequence: missense variant.
Genome position (GRCh38, 1-based): chr21:45,997,746, G>A. VCF-style: chr21-45997746-G-A. GRCh37 (hg19) VCF-style: chr21-47417660-G-A.
Other names: short protein forms G503E.
Identifiers: ClinVar variation 542975 (VCV000542975.12), dbSNP rs1556428597, ClinGen allele CA410528866.